The following is an entry in ClinVar:

ClinVar aggregate classification (germline): Conflicting classifications of pathogenicity. Review status: criteria provided, conflicting classifications (1 of 4 stars). 4 submissions from 4 submitters: Uncertain significance (3); Likely benign (1). Last evaluated 2025-06-16.

Conditions:
KIF11-related disorder. Also called: KIF11-related condition.
Inborn genetic diseases. Identifiers: MedGen C0950123, MeSH D030342.

Allele frequency attached by ClinVar (database versions not stated): gnomAD exomes 0.00001 and 0.00002; gnomAD 0.00003 and 0.00004; ExAC 0.00005.

Submissions (4):

Ambry Genetics
Classification: Uncertain significance for Inborn genetic diseases. Last evaluated: 2025-06-16. Review status: criteria provided, single submitter. Criteria: Ambry Variant Classification Scheme 2023. Collection method: clinical testing. Allele origin: germline.

PreventionGenetics, part of Exact Sciences
Classification: Uncertain significance for KIF11-related condition. Last evaluated: 2024-10-22. Review status: criteria provided, single submitter. Criteria: ACMG Guidelines, 2015. Collection method: clinical testing. Allele origin: germline.
Comment: The KIF11 c.1588G>A variant is predicted to result in the amino acid substitution p.Ala530Thr. To our knowledge, this variant has not been reported in the literature. This variant is reported in 0.0046% of alleles in individuals of European (Non-Finnish) descent in gnomAD. At this time, the clinical significance of this variant is uncertain due to the absence of conclusive functional and genetic evidence.

Blueprint Genetics
Classification: Likely benign. Last evaluated: 2024-05-10. Review status: criteria provided, single submitter. Criteria: ACMG Guidelines, 2015. Collection method: clinical testing. Allele origin: germline.

Labcorp Genetics (formerly Invitae), Labcorp
Classification: Uncertain significance. Last evaluated: 2022-10-15. Review status: criteria provided, single submitter. Criteria: Invitae Variant Classification Sherloc (09022015). Collection method: clinical testing. Allele origin: germline.
Comment: In summary, the available evidence is currently insufficient to determine the role of this variant in disease. Therefore, it has been classified as a Variant of Uncertain Significance. Advanced modeling of protein sequence and biophysical properties (such as structural, functional, and spatial information, amino acid conservation, physicochemical variation, residue mobility, and thermodynamic stability) performed at Invitae indicates that this missense variant is not expected to disrupt KIF11 protein function. ClinVar contains an entry for this variant (Variation ID: 1063558). This variant has not been reported in the literature in individuals affected with KIF11-related conditions. This variant is present in population databases (rs748299294, gnomAD 0.006%). This sequence change replaces alanine, which is neutral and non-polar, with threonine, which is neutral and polar, at codon 530 of the KIF11 protein (p.Ala530Thr).

NM_004523.4(KIF11):c.1588G>A (p.Ala530Thr)

Gene: KIF11 (kinesin family member 11; plus strand). Cytogenetic location: 10q23.33.
Variant type: single nucleotide variant.
Coding change: c.1588G>A on transcript NM_004523.4 (MANE Select); coding-DNA position 1588, G replaced by A.
Protein change: p.Ala530Thr; replaces alanine 530 with threonine.
Molecular consequence: missense variant.
Genome position (GRCh38, 1-based): chr10:92,632,579, G>A. VCF-style: chr10-92632579-G-A. GRCh37 (hg19) VCF-style: chr10-94392336-G-A.
Other names: c.1588G>A (NM_004523.3); short protein forms A530T.
Identifiers: ClinVar variation 1063558 (VCV001063558.12), dbSNP rs748299294, ClinGen allele CA5604226.